The following is an entry in ClinVar:

NM_001195263.2(PDZD7):c.1588C>T (p.Arg530Trp)

Gene: PDZD7 (PDZ domain containing 7; minus strand). Cytogenetic location: 10q24.31.
Variant type: single nucleotide variant.
Coding change: c.1588C>T on transcript NM_001195263.2 (MANE Select); coding-DNA position 1588, C replaced by T.
Protein change: p.Arg530Trp; replaces arginine 530 with tryptophan.
Molecular consequence: missense variant.
Genome position (GRCh38, 1-based): chr10:101,015,797, G>A on the plus strand (C>T on the coding strand, the complement: PDZD7 is on the minus strand). VCF-style: chr10-101015797-G-A. GRCh37 (hg19) VCF-style: chr10-102775554-G-A.
Other names: short protein forms R530W.
Identifiers: ClinVar variation 842042 (VCV000842042.7), dbSNP rs961077588, ClinGen allele CA212981983.
Genomic context (GRCh38, chr10:101,015,797, plus strand): 5'-GCTCATCCACATTAGGCAGCTGGCTGGAGGGACTCCCAGACCTGGCAGACAGCAGGGCCC[G>A]GCCCCTCTCCTGGTCTGCAGGGCAGGAACCATCAGGGGAGGGGAGAGGGGCTTCCCTCAG-3'
Protein context (NP_001182192.1, residues 520-540): WRLRRDQERG[Arg530Trp]ALLSARSGSP

ClinVar aggregate classification (germline): Uncertain significance. Review status: criteria provided, multiple submitters, no conflicts (2 of 4 stars). 2 submissions from 2 submitters: Uncertain significance (2). Last evaluated 2025-01-15.

Allele frequency attached by ClinVar (database versions not stated): gnomAD 0.00003 and 0.00005; gnomAD exomes 0.00008; TOPMed 0.00008; 1000 Genomes Project 30x 0.00016.
gnomAD v4.1: 87 of 1,548,714 alleles (0.0056%); highest among the groups gnomAD compares: East Asian, 0.02%; no homozygotes.

Submissions (2):

Labcorp Genetics (formerly Invitae), Labcorp
Classification: Uncertain significance. Last evaluated: 2025-01-15. Review status: criteria provided, single submitter. Criteria: Invitae Variant Classification Sherloc (09022015). Collection method: clinical testing. Allele origin: germline.
Comment: This sequence change replaces arginine, which is basic and polar, with tryptophan, which is neutral and slightly polar, at codon 530 of the PDZD7 protein (p.Arg530Trp). This variant is present in population databases (no rsID available, gnomAD 0.01%). This variant has not been reported in the literature in individuals affected with PDZD7-related conditions. ClinVar contains an entry for this variant (Variation ID: 842042). Invitae Evidence Modeling of protein sequence and biophysical properties (such as structural, functional, and spatial information, amino acid conservation, physicochemical variation, residue mobility, and thermodynamic stability) indicates that this missense variant is not expected to disrupt PDZD7 protein function with a negative predictive value of 80%. In summary, the available evidence is currently insufficient to determine the role of this variant in disease. Therefore, it has been classified as a Variant of Uncertain Significance.

Blueprint Genetics
Classification: Uncertain significance. Last evaluated: 2023-10-23. Review status: criteria provided, single submitter. Criteria: ACMG Guidelines, 2015. Collection method: clinical testing. Allele origin: germline.